The following is an entry in ClinVar:

NM_012208.4(HARS2):c.1461+9C>T

Gene: HARS2 (histidyl-tRNA synthetase 2, mitochondrial; plus strand). Cytogenetic location: 5q31.3.
Variant type: single nucleotide variant.
Coding change: c.1461+9C>T on transcript NM_012208.4 (MANE Select); 9 bases into the intron after coding-DNA position 1461, C replaced by T.
Molecular consequence: intron variant.
Genome position (GRCh38, 1-based): chr5:140,698,087, C>T. VCF-style: chr5-140698087-C-T. GRCh37 (hg19) VCF-style: chr5-140077672-C-T.
Other names: c.1461+9C>T (NM_012208.3); c.1029+9C>T (NM_001278732.2); c.1479+9C>T (NM_001363535.2); c.1386+9C>T (NM_001278731.2); c.1251+9C>T (NM_001363536.2).
Identifiers: ClinVar variation 2979331 (VCV002979331.5), dbSNP rs553101135, ClinGen allele CA3444716.
Genomic context (GRCh38, chr5:140,698,087, plus strand): 5'-AGAACTGAAAGAAGGGGTCATCAAGATCCGTTCAGTGGCCAGCAGAGAGGAGGTGAGTGG[C>T]GGCAGCAGAAATAGAAGGGACGAAGTATTTCTGCCTTTCCCAGATTCTGTAAGAAATATG-3'

ClinVar aggregate classification (germline): Likely benign. Review status: criteria provided, single submitter (1 of 4 stars). 2 submissions from 2 submitters: Likely benign (1). 1 of the submissions does not count toward it. Last evaluated 2023-06-22.

Conditions:
HARS2-related disorder. Also called: HARS2-related condition.

Allele frequency attached by ClinVar (database versions not stated): gnomAD exomes 0.00002; ExAC 0.00003; gnomAD 0.00004; TOPMed 0.00004; 1000 Genomes Project 30x 0.00016; 1000 Genomes Project 0.00020.
gnomAD v4.1: 32 of 1,613,280 alleles (0.002%); highest among the groups gnomAD compares: Middle Eastern, 0.017%; no homozygotes.

Submissions (2):

Labcorp Genetics (formerly Invitae), Labcorp
Classification: Likely benign. Last evaluated: 2023-06-22. Review status: criteria provided, single submitter. Criteria: Invitae Variant Classification Sherloc (09022015). Collection method: clinical testing. Allele origin: germline.

PreventionGenetics, part of Exact Sciences
Classification: Likely benign for HARS2-related condition. Last evaluated: 2019-05-07. Review status: no assertion criteria provided. Collection method: clinical testing. Allele origin: germline. Not counted in ClinVar's aggregate classification.
Comment: This variant is classified as likely benign based on ACMG/AMP sequence variant interpretation guidelines (Richards et al. 2015 PMID: 25741868, with internal and published modifications).